The following is an entry in ClinVar:

NM_201384.3(PLEC):c.7425+8C>T

Gene: PLEC (plectin; minus strand). Cytogenetic location: 8q24.3.
Variant type: single nucleotide variant.
Coding change: c.7425+8C>T on transcript NM_201384.3 (MANE Select); 8 bases into the intron after coding-DNA position 7425, C replaced by T.
Molecular consequence: intron variant.
Genome position (GRCh38, 1-based): chr8:143,922,496, G>A on the plus strand (C>T on the coding strand, the complement: PLEC is on the minus strand). VCF-style: chr8-143922496-G-A. GRCh37 (hg19) VCF-style: chr8-144996664-G-A.
Other names: c.7506+8C>T (NM_000445.5, NM_000445.4); c.7383+8C>T (NM_201378.4); c.7359+8C>T (NM_201379.3); c.7836+8C>T (NM_201380.4); c.7329+8C>T (NM_201381.3); c.7425+8C>T (NM_201382.4); c.7437+8C>T (NM_201383.3).
Identifiers: ClinVar variation 1611903 (VCV001611903.9), dbSNP rs368135449, ClinGen allele CA4925655.
Genomic context (GRCh38, chr8:143,922,496, plus strand): 5'-GAGCACCCATCACCCACCAAAGCAGATCCCCGGGCCCACCCGCCCGTCGCACGTAGAGGG[G>A]GCGGTACCTCCTCAGACTTGAGCTGCAGCAGTTTGGCCTCCTGTTGGAGCTTCTCCTTCT-3'

ClinVar aggregate classification (germline): Likely benign. Review status: criteria provided, multiple submitters, no conflicts (2 of 4 stars). 2 submissions from 2 submitters: Likely benign (2). Last evaluated 2026-06-25.

Conditions:
Epidermolysis bullosa simplex 5C, with pyloric atresia (EBS5C). Also called: PLEC-Related Epidermolysis Bullosa with Pyloric Atresia; Epidermolysis bullosa simplex with pyloric atresia; PLEC1-Related Epidermolysis Bullosa with Pyloric Atresia. Identifiers: Orphanet 158684, MedGen C2677349, MONDO:0012807, OMIM 612138.
Autosomal recessive limb-girdle muscular dystrophy type 2Q (LGMDR17). Also called: MUSCULAR DYSTROPHY, LIMB-GIRDLE, AUTOSOMAL RECESSIVE 17. Identifiers: Orphanet 254361, MedGen C3150989, MONDO:0013390, OMIM 613723.
Epidermolysis bullosa simplex 5B, with muscular dystrophy (EBS5B). Also called: EPIDERMOLYSIS BULLOSA SIMPLEX AND LIMB-GIRDLE MUSCULAR DYSTROPHY; Epidermolysis bullosa simplex with muscular dystrophy. Identifiers: Orphanet 257, MedGen C2931072, MONDO:0009181, OMIM 226670.
Epidermolysis bullosa simplex, Ogna type (EBS5A). Also called: Pidermolysis bullosa simplex 5A, Ogna type; EPIDERMOLYSIS BULLOSA SIMPLEX 5A, OGNA TYPE. Identifiers: Orphanet 79401, MedGen C0432317, MONDO:0007555, OMIM 131950.
Epidermolysis bullosa simplex with nail dystrophy (EBS5D). Identifiers: MedGen C4225309, MONDO:0014661, OMIM 616487.
PLEC-related disorder. Also called: PLEC-related disorders; PLEC-related condition.

Allele frequency attached by ClinVar (database versions not stated): ESP Exome Variant Server 0.00008; ExAC 0.00009; gnomAD exomes 0.00010; TOPMed 0.00017.
gnomAD v4.1: 56 of 1,607,066 alleles (0.0035%); highest among the groups gnomAD compares: Admixed American, 0.03%; no homozygotes.

Submissions (2):

PreventionGenetics, part of Exact Sciences
Classification: Likely benign for PLEC-related condition. Last evaluated: 2026-06-25. Review status: criteria provided, single submitter. Criteria: ACMG Guidelines, 2015. Collection method: clinical testing. Allele origin: germline.
Comment: This variant is classified as likely benign based on ACMG/AMP sequence variant interpretation guidelines (Richards et al. 2015 PMID: 25741868, with internal and published modifications).

Labcorp Genetics (formerly Invitae), Labcorp
Classification: Likely benign for Autosomal recessive limb-girdle muscular dystrophy type 2Q; Epidermolysis bullosa simplex, Ogna type; Epidermolysis bullosa simplex with nail dystrophy; Epidermolysis bullosa simplex 5C, with pyloric atresia; Epidermolysis bullosa simplex 5B, with muscular dystrophy. Last evaluated: 2026-01-14. Review status: criteria provided, single submitter. Criteria: Invitae Variant Classification Sherloc (09022015). Collection method: clinical testing. Allele origin: germline.